The following is an entry in ClinVar:

ClinVar aggregate classification (germline): Uncertain significance (1 of 4 stars; one submission).

Conditions:
Bethlem myopathy 1C (BTHLM1C). Identifiers: MedGen C5935581, MONDO:0958234, OMIM 620726.
Ullrich congenital muscular dystrophy 1C (UCMD1C). Identifiers: MedGen C5935583, MONDO:0958236, OMIM 620728.
Dystonia 27 (DYT27). Identifiers: Orphanet 464440, MedGen C4225336, MONDO:0014627, OMIM 616411.

Submission:

Juno Genomics, Hangzhou Juno Genomics, Inc
Classification: Uncertain significance for Bethlem myopathy 1C; Ullrich congenital muscular dystrophy 1C; Dystonia 27. Review status: criteria provided, single submitter. Criteria: ACMG Guidelines, 2015. Collection method: clinical testing. Allele origin: germline.
Comment: Absent from controls (or at extremely low frequency if recessive) in Genome Aggregation Database.

NM_004369.4(COL6A3):c.8391A>T (p.Leu2797Phe)

Gene: COL6A3 (collagen type VI alpha 3 chain; minus strand). Cytogenetic location: 2q37.3.
Variant type: single nucleotide variant.
Coding change: c.8391A>T on transcript NM_004369.4 (MANE Select); coding-DNA position 8391, A replaced by T.
Protein change: p.Leu2797Phe; replaces leucine 2797 with phenylalanine.
Molecular consequence: missense variant.
Genome position (GRCh38, 1-based): chr2:237,340,525, T>A on the plus strand (A>T on the coding strand, the complement: COL6A3 is on the minus strand). VCF-style: chr2-237340525-T-A. GRCh37 (hg19) VCF-style: chr2-238249168-T-A.
Other names: c.6570A>T, p.Leu2190Phe (NM_057166.5); c.7773A>T, p.Leu2591Phe (NM_057167.4); short protein forms L2190F, L2591F, L2797F.
Identifiers: ClinVar variation 5018994 (VCV005018994.2).
Genomic context (GRCh38, chr2:237,340,525, plus strand): 5'-TGGCAACAGCCTCCCGAAGCGCATCAAAGGCTCCTCGTTGAGCTCGGTGGACTTGTCCAC[T>A]AATTTGAAGAAGACGTCGTTTGGCTCACTGGCGAAGGTGTATACCTCCTTGATGTTCACC-3'
Protein context (NP_004360.2, residues 2787-2807): ASEPNDVFFK[Leu2797Phe]VDKSTELNEE